The following is an entry in ClinVar:

NM_001319074.4(RAX2):c.208C>T (p.Arg70Cys)

Gene: RAX2 (retina and anterior neural fold homeobox 2; minus strand). Cytogenetic location: 19p13.3.
Variant type: single nucleotide variant.
Coding change: c.208C>T on transcript NM_001319074.4 (MANE Select); coding-DNA position 208, C replaced by T.
Protein change: p.Arg70Cys; replaces arginine 70 with cysteine.
Molecular consequence: missense variant.
Genome position (GRCh38, 1-based): chr19:3,771,535, G>A on the plus strand (C>T on the coding strand, the complement: RAX2 is on the minus strand). VCF-style: chr19-3771535-G-A. GRCh37 (hg19) VCF-style: chr19-3771533-G-A.
Other names: c.208C>T, p.Arg70Cys (NM_032753.4); short protein forms R70C.
Identifiers: ClinVar variation 1503113 (VCV001503113.6), dbSNP rs372266287, ClinGen allele CA9085088.

ClinVar aggregate classification (germline): Uncertain significance (1 of 4 stars; one submission).

Allele frequency attached by ClinVar (database versions not stated): gnomAD 0.00001; gnomAD exomes 0.00001; TOPMed 0.00001; ExAC 0.00002; ESP Exome Variant Server 0.00008.
gnomAD v4.1: 18 of 1,599,442 alleles (0.0011%); highest among the groups gnomAD compares: South Asian, 0.0045%; no homozygotes.

Submission:

Labcorp Genetics (formerly Invitae), Labcorp
Classification: Uncertain significance. Last evaluated: 2022-08-27. Review status: criteria provided, single submitter. Criteria: Invitae Variant Classification Sherloc (09022015). Collection method: clinical testing. Allele origin: germline.
Comment: In summary, the available evidence is currently insufficient to determine the role of this variant in disease. Therefore, it has been classified as a Variant of Uncertain Significance. Algorithms developed to predict the effect of sequence changes on RNA splicing suggest that this variant may disrupt the consensus splice site. Algorithms developed to predict the effect of missense changes on protein structure and function (SIFT, PolyPhen-2, Align-GVGD) all suggest that this variant is likely to be disruptive. ClinVar contains an entry for this variant (Variation ID: 1503113). This variant has not been reported in the literature in individuals affected with RAX2-related conditions. The frequency data for this variant in the population databases is considered unreliable, as metrics indicate poor data quality at this position in the gnomAD database. This sequence change replaces arginine, which is basic and polar, with cysteine, which is neutral and slightly polar, at codon 70 of the RAX2 protein (p.Arg70Cys).